The following is an entry in ClinVar:

NM_006648.4(WNK2):c.269G>T (p.Arg90Leu)

Gene: WNK2 (WNK lysine deficient protein kinase 2; plus strand). Cytogenetic location: 9q22.31.
Variant type: single nucleotide variant.
Coding change: c.269G>T on transcript NM_006648.4 (MANE Select); coding-DNA position 269, G replaced by T.
Protein change: p.Arg90Leu; replaces arginine 90 with leucine.
Molecular consequence: missense variant.
Genome position (GRCh38, 1-based): chr9:93,185,198, G>T. VCF-style: chr9-93185198-G-T. GRCh37 (hg19) VCF-style: chr9-95947480-G-T.
Other names: c.269G>T, p.Arg90Leu (NM_001282394.3); short protein forms R90L.
Identifiers: ClinVar variation 5031811 (VCV005031811.1).

ClinVar aggregate classification (germline): Uncertain significance (1 of 4 stars; one submission).

Submission:

Ambry Genetics
Classification: Uncertain significance. Last evaluated: 2026-06-24. Review status: criteria provided, single submitter. Criteria: Ambry Variant Classification Scheme 2023. Collection method: clinical testing. Allele origin: germline.
Comment: The p.R90L variant (also known as c.269G>T), located in coding exon 1 of the WNK2 gene, results from a G to T substitution at nucleotide position 269. The arginine at codon 90 is replaced by leucine, an amino acid with dissimilar properties. This amino acid position is conserved. In addition, this alteration is predicted to be tolerated by in silico analysis. Based on the available evidence, the clinical significance of this variant remains unclear.